The following is an entry in ClinVar:

NM_022049.3(GPR88):c.1123C>G (p.Leu375Val)

Gene: GPR88 (G protein-coupled receptor 88; plus strand). Cytogenetic location: 1p21.2.
Variant type: single nucleotide variant.
Coding change: c.1123C>G on transcript NM_022049.3 (MANE Select); coding-DNA position 1123, C replaced by G.
Protein change: p.Leu375Val; replaces leucine 375 with valine.
Molecular consequence: missense variant.
Genome position (GRCh38, 1-based): chr1:100,540,089, C>G. VCF-style: chr1-100540089-C-G. GRCh37 (hg19) VCF-style: chr1-101005645-C-G.
Other names: c.1123C>G (NM_022049.2); short protein forms L375V.
Identifiers: ClinVar variation 1488576 (VCV001488576.7), dbSNP rs1053879924, ClinGen allele CA28152894.

ClinVar aggregate classification (germline): Uncertain significance. Review status: criteria provided, multiple submitters, no conflicts (2 of 4 stars). 2 submissions from 2 submitters: Uncertain significance (2). Last evaluated 2022-09-14.

Allele frequency attached by ClinVar (database versions not stated): gnomAD 0.00003 and 0.00004; TOPMed 0.00003.

Submissions (2):

Ambry Genetics
Classification: Uncertain significance. Last evaluated: 2022-09-14. Review status: criteria provided, single submitter. Criteria: Ambry Variant Classification Scheme 2023. Collection method: clinical testing. Allele origin: germline.

Labcorp Genetics (formerly Invitae), Labcorp
Classification: Uncertain significance. Last evaluated: 2022-06-20. Review status: criteria provided, single submitter. Criteria: Invitae Variant Classification Sherloc (09022015). Collection method: clinical testing. Allele origin: germline.
Comment: In summary, the available evidence is currently insufficient to determine the role of this variant in disease. Therefore, it has been classified as a Variant of Uncertain Significance. Algorithms developed to predict the effect of sequence changes on RNA splicing suggest that this variant may create or strengthen a splice site. Algorithms developed to predict the effect of missense changes on protein structure and function are either unavailable or do not agree on the potential impact of this missense change (SIFT: "Deleterious"; PolyPhen-2: "Not Available"; Align-GVGD: "Class C0"). This variant has not been reported in the literature in individuals affected with GPR88-related conditions. This variant is not present in population databases (gnomAD no frequency). This sequence change replaces leucine, which is neutral and non-polar, with valine, which is neutral and non-polar, at codon 375 of the GPR88 protein (p.Leu375Val).